The following is an entry in ClinVar:

ClinVar aggregate classification (germline): Uncertain significance (1 of 4 stars; one submission).

Conditions:
MYL3-related disorder. Also called: MYL3-related condition.

gnomAD v4.1: 4 of 1,614,128 alleles (0.00025%); highest among the groups gnomAD compares: Non-Finnish European, 0.00034%; no homozygotes.

Submission:

PreventionGenetics, part of Exact Sciences
Classification: Uncertain significance for MYL3-related condition. Last evaluated: 2025-10-09. Review status: criteria provided, single submitter. Criteria: ACMG Guidelines, 2015. Collection method: clinical testing. Allele origin: germline.
Comment: The MYL3 c.389A>T variant is predicted to result in the amino acid substitution p.Tyr130Phe. To our knowledge, this variant has not been reported in the literature. This variant is reported in 0.0023% of alleles in individuals of European (Non-Finnish) descent in gnomAD. At this time, the clinical significance of this variant is uncertain due to the absence of conclusive functional and genetic evidence.

NM_000258.3(MYL3):c.389A>T (p.Tyr130Phe)

Gene: MYL3 (myosin light chain 3; minus strand). Cytogenetic location: 3p21.31.
Variant type: single nucleotide variant.
Coding change: c.389A>T on transcript NM_000258.3 (MANE Select); coding-DNA position 389, A replaced by T.
Protein change: p.Tyr130Phe; replaces tyrosine 130 with phenylalanine.
Molecular consequence: missense variant.
Genome position (GRCh38, 1-based): chr3:46,859,567, T>A on the plus strand (A>T on the coding strand, the complement: MYL3 is on the minus strand). VCF-style: chr3-46859567-T-A. GRCh37 (hg19) VCF-style: chr3-46901057-T-A.
Other names: c.389A>T, p.Tyr130Phe (NM_001406937.1, NM_001406938.1, NM_001406939.1); c.215A>T, p.Tyr72Phe (NM_001406940.1, NM_001406941.1); short protein forms Y130F, Y72F.
Identifiers: ClinVar variation 4992067 (VCV004992067.1).